The following is an entry in ClinVar:

NM_000038.6(APC):c.7535G>T (p.Ser2512Ile)

Gene: APC (APC regulator of Wnt signaling pathway; plus strand). Cytogenetic location: 5q22.2.
Variant type: single nucleotide variant.
Coding change: c.7535G>T on transcript NM_000038.6 (MANE Select); coding-DNA position 7535, G replaced by T.
Protein change: p.Ser2512Ile; replaces serine 2512 with isoleucine.
Molecular consequence: missense variant. On other transcripts: non-coding transcript variant (2).
Genome position (GRCh38, 1-based): chr5:112,843,129, G>T. VCF-style: chr5-112843129-G-T. GRCh37 (hg19) VCF-style: chr5-112178826-G-T.
Other names: c.7535G>T, p.Ser2512Ile (NM_001127510.3, NM_001354895.2, NM_001407450.1); c.7481G>T, p.Ser2494Ile (NM_001127511.3); c.7589G>T, p.Ser2530Ile (NM_001354896.2, NM_001407447.1, NM_001407448.1 and 1 more transcripts); c.7565G>T, p.Ser2522Ile (NM_001354897.2); c.7460G>T, p.Ser2487Ile (NM_001354898.2); c.7451G>T, p.Ser2484Ile (NM_001354899.2); c.7412G>T, p.Ser2471Ile (NM_001354900.2); c.7358G>T, p.Ser2453Ile (NM_001354901.2, NM_001407453.1); and 12 more; short protein forms S2429I, S2453I, S2512I, S2522I, S2128I, S2421I, S2505I, S2229I.
Identifiers: ClinVar variation 2773640 (VCV002773640.6), dbSNP rs1060503315, ClinGen allele CA16037711.

ClinVar aggregate classification (germline): Uncertain significance. Review status: criteria provided, multiple submitters, no conflicts (2 of 4 stars). 3 submissions from 3 submitters: Uncertain significance (3). Last evaluated 2025-11-03.

Conditions:
Familial adenomatous polyposis 1 (FAP1). Also called: POLYPOSIS, ADENOMATOUS INTESTINAL; FAMILIAL ADENOMATOUS POLYPOSIS 1, ATTENUATED. Identifiers: MedGen C2713442, MONDO:0021056, OMIM 175100. Disease mechanism: loss of function.
Hereditary cancer-predisposing syndrome. Also called: Hereditary neoplastic syndrome; Hereditary Cancer Syndrome; Neoplastic Syndromes, Hereditary; Tumor predisposition. Identifiers: Orphanet 140162, MedGen C0027672, MeSH D009386, MONDO:0015356.

Submissions (3):

Ambry Genetics
Classification: Uncertain significance for Hereditary cancer-predisposing syndrome. Last evaluated: 2025-11-03. Review status: criteria provided, single submitter. Criteria: Ambry Variant Classification Scheme 2023. Collection method: clinical testing. Allele origin: germline.
Comment: The p.S2512I variant (also known as c.7535G>T), located in coding exon 15 of the APC gene, results from a G to T substitution at nucleotide position 7535. The serine at codon 2512 is replaced by isoleucine, an amino acid with dissimilar properties. This amino acid position is conserved. In addition, in silico predictors for this gene do not accurately predict pathogenicity. Based on the available evidence, the clinical significance of this variant remains unclear.

Color Diagnostics, LLC DBA Color Health
Classification: Uncertain significance for Hereditary cancer-predisposing syndrome. Last evaluated: 2025-01-06. Review status: criteria provided, single submitter. Criteria: ACMG Guidelines, 2015. Collection method: clinical testing. Allele origin: germline.
Comment: This missense variant replaces serine with isoleucine at codon 2512 of the APC protein. Computational prediction suggests that this variant may not impact protein structure and function (internally defined REVEL score threshold <= 0.5, PMID: 27666373). To our knowledge, functional studies have not been reported for this variant. This variant has not been reported in individuals affected with APC-related disorders in the literature. This variant has not been identified in the general population by the Genome Aggregation Database (gnomAD). The available evidence is insufficient to determine the role of this variant in disease conclusively. Therefore, this variant is classified as a Variant of Uncertain Significance.

Labcorp Genetics (formerly Invitae), Labcorp
Classification: Uncertain significance for Familial adenomatous polyposis 1. Last evaluated: 2024-05-12. Review status: criteria provided, single submitter. Criteria: Invitae Variant Classification Sherloc (09022015). Collection method: clinical testing. Allele origin: germline.
Comment: This sequence change replaces serine, which is neutral and polar, with isoleucine, which is neutral and non-polar, at codon 2512 of the APC protein (p.Ser2512Ile). This variant is not present in population databases (gnomAD no frequency). This variant has not been reported in the literature in individuals affected with APC-related conditions. Advanced modeling of protein sequence and biophysical properties (such as structural, functional, and spatial information, amino acid conservation, physicochemical variation, residue mobility, and thermodynamic stability) performed at Invitae indicates that this missense variant is not expected to disrupt APC protein function with a negative predictive value of 95%. In summary, the available evidence is currently insufficient to determine the role of this variant in disease. Therefore, it has been classified as a Variant of Uncertain Significance.